The following is an entry in ClinVar:

NM_018136.5(ASPM):c.5264T>C (p.Val1755Ala)

Gene: ASPM (assembly factor for spindle microtubules; minus strand). Cytogenetic location: 1q31.3.
Variant type: single nucleotide variant.
Coding change: c.5264T>C on transcript NM_018136.5 (MANE Select); coding-DNA position 5264, T replaced by C.
Protein change: p.Val1755Ala; replaces valine 1755 with alanine.
Molecular consequence: missense variant. On other transcripts: intron variant (1).
Genome position (GRCh38, 1-based): chr1:197,103,987, A>G on the plus strand (T>C on the coding strand, the complement: ASPM is on the minus strand). VCF-style: chr1-197103987-A-G. GRCh37 (hg19) VCF-style: chr1-197073117-A-G.
Other names: c.4066-7823T>C (NM_001206846.2); c.5264T>C (NM_018136.4); short protein forms V1755A.
Identifiers: ClinVar variation 1357652 (VCV001357652.7), dbSNP rs776605087, ClinGen allele CA1309787.

ClinVar aggregate classification (germline): Conflicting classifications of pathogenicity. Review status: criteria provided, conflicting classifications (1 of 4 stars). 2 submissions from 2 submitters: Uncertain significance (1); Likely benign (1). Last evaluated 2026-01-19.

Conditions:
Inborn genetic diseases. Identifiers: MedGen C0950123, MeSH D030342.

Allele frequency attached by ClinVar (database versions not stated): gnomAD 0.00001; gnomAD exomes 0.00014; ExAC 0.00017.
gnomAD v4.1: 41 of 1,612,358 alleles (0.0025%); highest among the groups gnomAD compares: Admixed American, 0.067%; 1 homozygote.

Submissions (2):

Labcorp Genetics (formerly Invitae), Labcorp
Classification: Uncertain significance. Last evaluated: 2026-01-19. Review status: criteria provided, single submitter. Criteria: Invitae Variant Classification Sherloc (09022015). Collection method: clinical testing. Allele origin: germline.
Comment: This sequence change replaces valine, which is neutral and non-polar, with alanine, which is neutral and non-polar, at codon 1755 of the ASPM protein (p.Val1755Ala). This variant is present in population databases (rs776605087, gnomAD 0.1%). This variant has not been reported in the literature in individuals affected with ASPM-related conditions. ClinVar contains an entry for this variant (Variation ID: 1357652). Invitae Evidence Modeling of protein sequence and biophysical properties (such as structural, functional, and spatial information, amino acid conservation, physicochemical variation, residue mobility, and thermodynamic stability) indicates that this missense variant is not expected to disrupt ASPM protein function with a negative predictive value of 80%. In summary, the available evidence is currently insufficient to determine the role of this variant in disease. Therefore, it has been classified as a Variant of Uncertain Significance.

Ambry Genetics
Classification: Likely benign for Inborn genetic diseases. Last evaluated: 2025-04-03. Review status: criteria provided, single submitter. Criteria: Ambry Variant Classification Scheme 2023. Collection method: clinical testing. Allele origin: germline.